The following is an entry in ClinVar:

NM_004006.3(DMD):c.9564-725_9564-721del

Gene: DMD (dystrophin; minus strand). Cytogenetic location: Xp21.2.
Variant type: Deletion.
Coding change: c.9564-725_9564-721del on transcript NM_004006.3 (MANE Select); 725 bases into the intron before coding-DNA position 9564 through 721 bases into the intron before coding-DNA position 9564, 5 bases deleted (AAATT; older notation c.9564-725_9564-721delAAATT).
Molecular consequence: intron variant.
Genome position (GRCh38, 1-based): chrX:31,207,388-31,207,392, AATTT deleted on the plus strand (AAATT on the coding strand, the reverse complement: DMD is on the minus strand); deleting any 5 consecutive bases within chrX:31,207,388-31,207,393 gives the same sequence; the c. name uses the placement nearest the transcript's 3' end. VCF-style (leftmost placement, unchanged base first): chrX-31207387-AAATTT-A. GRCh37 (hg19) VCF-style: chrX-31225504-AAATTT-A.
Other names: c.9540-725_9540-721del (NM_000109.4); c.5541-725_5541-721del (NM_004011.4); c.5532-725_5532-721del (NM_004012.4); c.2184-725_2184-721del (NM_004023.3, NM_004020.4, NM_004022.3 and 2 more transcripts); c.1377-725_1377-721del (NM_004014.3); c.360-725_360-721del (NM_004018.3, NM_004017.3, NM_004016.3 and 2 more transcripts); c.9552-725_9552-721del (NM_004009.3); c.9195-725_9195-721del (NM_004010.3).
Identifiers: ClinVar variation 680563 (VCV000680563.1), dbSNP rs67482841, ClinGen allele CA328407981.
Genomic context (GRCh38, chrX:31,207,387, plus strand): 5'-ATTTGCATAGCATTTTCTATATTTGCATATAGAAAACTGAAATAAAGCATTTCACATAAC[AAATTT>A]ATTAATAAGCTAATTTTATCCATGGGGGAAAAAAAGGAAAAATAAGAATGAAAAGTTTTC-3'

ClinVar aggregate classification (germline): Benign (1 of 4 stars; one submission).

Submission:

GeneDx
Classification: Benign. Last evaluated: 2018-06-14. Review status: criteria provided, single submitter. Criteria: GeneDx Variant Classification (06012015). Collection method: clinical testing. Allele origin: germline. Affected: yes.
Comment: This variant is considered likely benign or benign based on one or more of the following criteria: it is a conservative change, it occurs at a poorly conserved position in the protein, it is predicted to be benign by multiple in silico algorithms, and/or has population frequency not consistent with disease.